The following is an entry in ClinVar:

ClinVar aggregate classification (germline): Conflicting classifications of pathogenicity. Review status: criteria provided, conflicting classifications (1 of 4 stars). 3 submissions from 3 submitters: Uncertain significance (1); Benign (1); Likely benign (1). Last evaluated 2026-03-14.

Conditions:
Inborn genetic diseases. Identifiers: MedGen C0950123, MeSH D030342.
KAT6B-related disorder. Also called: KAT6B-related disorders; KAT6B-related condition.
Genitopatellar syndrome (GTPTS). Also called: ABSENT PATELLAE, SCROTAL HYPOPLASIA, RENAL ANOMALIES, FACIAL DYSMORPHISM, AND MENTAL RETARDATION; Genitopatellar syndrome (GPS). Identifiers: Orphanet 85201, MedGen C1853566, MONDO:0011640, OMIM 606170.

Allele frequency attached by ClinVar (database versions not stated): gnomAD exomes 0.00005 and 0.00007; gnomAD 0.00006; ExAC 0.00008; ESP Exome Variant Server 0.00008; TOPMed 0.00009.
gnomAD v4.1: 80 of 1,614,026 alleles (0.005%); highest among the groups gnomAD compares: Middle Eastern, 0.066%; no homozygotes.

Submissions (3):

PreventionGenetics, part of Exact Sciences
Classification: Uncertain significance for KAT6B-related condition. Last evaluated: 2026-03-14. Review status: criteria provided, single submitter. Criteria: ACMG Guidelines, 2015. Collection method: clinical testing. Allele origin: germline.
Comment: The KAT6B c.3697G>A variant is predicted to result in the amino acid substitution p.Glu1233Lys. To our knowledge, this variant has not been reported in the literature. This variant is reported in 0.020% of alleles in individuals of African descent in gnomAD. Although we suspect that this variant may be benign, at this time, the clinical significance of this variant is uncertain due to the absence of conclusive functional and genetic evidence.

Labcorp Genetics (formerly Invitae), Labcorp
Classification: Benign for Genitopatellar syndrome. Last evaluated: 2025-12-15. Review status: criteria provided, single submitter. Criteria: Invitae Variant Classification Sherloc (09022015). Collection method: clinical testing. Allele origin: germline.

Ambry Genetics
Classification: Likely benign for Inborn genetic diseases. Last evaluated: 2021-10-13. Review status: criteria provided, single submitter. Criteria: Ambry Variant Classification Scheme 2023. Collection method: clinical testing. Allele origin: germline.

NM_012330.4(KAT6B):c.3697G>A (p.Glu1233Lys)

Gene: KAT6B (lysine acetyltransferase 6B; plus strand). Cytogenetic location: 10q22.2.
Variant type: single nucleotide variant.
Coding change: c.3697G>A on transcript NM_012330.4 (MANE Select); coding-DNA position 3697, G replaced by A.
Protein change: p.Glu1233Lys; replaces glutamic acid 1233 with lysine.
Molecular consequence: missense variant.
Genome position (GRCh38, 1-based): chr10:75,028,521, G>A. VCF-style: chr10-75028521-G-A. GRCh37 (hg19) VCF-style: chr10-76788279-G-A.
Other names: c.3148G>A, p.Glu1050Lys (NM_001256468.2, NM_001370138.1); c.2821G>A, p.Glu941Lys (NM_001256469.2, NM_001370139.1, NM_001370140.1 and 2 more transcripts); c.2659G>A, p.Glu887Lys (NM_001370132.1); c.2008G>A, p.Glu670Lys (NM_001370133.1); c.1612G>A, p.Glu538Lys (NM_001370134.1); c.1354G>A, p.Glu452Lys (NM_001370135.1); c.3697G>A, p.Glu1233Lys (NM_001370136.1, NM_001370137.1); c.2632G>A, p.Glu878Lys (NM_001370143.1, NM_001370144.1); and 1 more; short protein forms E1050K, E1233K, E452K, E538K, E670K, E878K, E887K, E941K.
Identifiers: ClinVar variation 1166291 (VCV001166291.11), dbSNP rs371178186, ClinGen allele CA5564885.